The following is an entry in ClinVar:

ClinVar aggregate classification (germline): Uncertain significance. Review status: criteria provided, multiple submitters, no conflicts (2 of 4 stars). 2 submissions from 2 submitters: Uncertain significance (2). Last evaluated 2023-02-23.

Conditions:
Inborn genetic diseases. Identifiers: MedGen C0950123, MeSH D030342.
Aortic valve disease 2 (AOVD2). Identifiers: MedGen C3542024, MONDO:0013902, OMIM 614823.

gnomAD v4.1: 1 of 1,483,028 alleles (0.000067%); highest among the groups gnomAD compares: Non-Finnish European, 0.000089%; no homozygotes.

Submissions (2):

Ambry Genetics
Classification: Uncertain significance for Inborn genetic diseases. Last evaluated: 2023-02-23. Review status: criteria provided, single submitter. Criteria: Ambry Variant Classification Scheme 2023. Collection method: clinical testing. Allele origin: germline.
Comment: The p.L244V variant (also known as c.730C>G), located in coding exon 1 of the SMAD6 gene, results from a C to G substitution at nucleotide position 730. The leucine at codon 244 is replaced by valine, an amino acid with highly similar properties. This amino acid position is conserved. In addition, this alteration is predicted to be tolerated by in silico analysis. Since supporting evidence is limited at this time, the clinical significance of this alteration remains unclear.

Labcorp Genetics (formerly Invitae), Labcorp
Classification: Uncertain significance for Aortic valve disease 2. Last evaluated: 2022-10-19. Review status: criteria provided, single submitter. Criteria: Invitae Variant Classification Sherloc (09022015). Collection method: clinical testing. Allele origin: germline.
Comment: This sequence change replaces leucine, which is neutral and non-polar, with valine, which is neutral and non-polar, at codon 244 of the SMAD6 protein (p.Leu244Val). This variant is not present in population databases (gnomAD no frequency). This variant has not been reported in the literature in individuals affected with SMAD6-related conditions. Advanced modeling of protein sequence and biophysical properties (such as structural, functional, and spatial information, amino acid conservation, physicochemical variation, residue mobility, and thermodynamic stability) performed at Invitae indicates that this missense variant is not expected to disrupt SMAD6 protein function. In summary, the available evidence is currently insufficient to determine the role of this variant in disease. Therefore, it has been classified as a Variant of Uncertain Significance.

NM_005585.5(SMAD6):c.730C>G (p.Leu244Val)

Gene: SMAD6 (SMAD family member 6; plus strand). Cytogenetic location: 15q22.31.
Variant type: single nucleotide variant.
Coding change: c.730C>G on transcript NM_005585.5 (MANE Select); coding-DNA position 730, C replaced by G.
Protein change: p.Leu244Val; replaces leucine 244 with valine.
Molecular consequence: missense variant. On other transcripts: non-coding transcript variant (1).
Genome position (GRCh38, 1-based): chr15:66,703,988, C>G. VCF-style: chr15-66703988-C-G. GRCh37 (hg19) VCF-style: chr15-66996326-C-G.
Other names: short protein forms L244V.
Identifiers: ClinVar variation 2447490 (VCV002447490.5), dbSNP rs1042398681, ClinGen allele CA392950125.